The following is an entry in ClinVar:

ClinVar aggregate classification (germline): Likely benign (1 of 4 stars; one submission).

Allele frequency attached by ClinVar (database versions not stated): gnomAD 0.00032; TOPMed 0.00038; gnomAD exomes 0.00041.
gnomAD v4.1: 146 of 397,412 alleles (0.037%); highest among the groups gnomAD compares: Middle Eastern, 0.12%; no homozygotes.

Submission:

CeGaT Center for Human Genetics Tuebingen
Classification: Likely benign. Last evaluated: 2026-09-01. Review status: criteria provided, single submitter. Criteria: CeGaT Center For Human Genetics Tuebingen Variant Classification Criteria Version 2. Collection method: clinical testing. Allele origin: germline. Affected: yes. Observed: 6 variant alleles.
Comment: KCNQ1OT1: BS2

NM_000218.3(KCNQ1):c.1394-13970A>C

Genes: KCNQ1 (potassium voltage-gated channel subfamily Q member 1; plus strand), KCNQ1OT1 (KCNQ1 opposite strand/antisense transcript 1; minus strand). Cytogenetic location: 11p15.5.
Variant type: single nucleotide variant.
Coding change: c.1394-13970A>C on transcript NM_000218.3 (MANE Select); 13970 bases into the intron before coding-DNA position 1394, A replaced by C.
Molecular consequence: intron variant. On other transcripts: non-coding transcript variant (1).
Genome position (GRCh38, 1-based): chr11:2,647,991, A>C. VCF-style: chr11-2647991-A-C. GRCh37 (hg19) VCF-style: chr11-2669221-A-C.
Other names: c.1124-13970A>C (NM_001406837.1); c.1298-13970A>C (NM_001406836.1); c.854-13970A>C (NM_001406838.1); c.1013-13970A>C (NM_181798.2).
Identifiers: ClinVar variation 2641427 (VCV002641427.24), dbSNP rs952524538, ClinGen allele CA216160382.
Genomic context (GRCh38, chr11:2,647,991, plus strand): 5'-TGGCTGGGTTTGTTGGCTCACACCTGTAAACCCAGTACTTTGGAAGGCCAAGGCAGGCCG[A>C]TCGCTTGAGTCCAGGAGTTTGAGACCAGCCTGAGCAACATGGCAAACCCCCATCTCTACC-3'